The following is an entry in ClinVar:

NM_024675.4(PALB2):c.345A>T (p.Gly115=)

Gene: PALB2 (partner and localizer of BRCA2; minus strand). Cytogenetic location: 16p12.2.
Variant type: single nucleotide variant.
Coding change: c.345A>T on transcript NM_024675.4 (MANE Select); coding-DNA position 345, A replaced by T.
Protein change: p.Gly115=; no amino-acid change (glycine 115 retained).
Molecular consequence: synonymous variant.
Genome position (GRCh38, 1-based): chr16:23,636,201, T>A on the plus strand (A>T on the coding strand, the complement: PALB2 is on the minus strand). VCF-style: chr16-23636201-T-A. GRCh37 (hg19) VCF-style: chr16-23647522-T-A.
Identifiers: ClinVar variation 823796 (VCV000823796.5), dbSNP rs1597099510, ClinGen allele CA494462274.

ClinVar aggregate classification (germline): Benign/Likely benign. Review status: criteria provided, multiple submitters, no conflicts (2 of 4 stars). 2 submissions from 2 submitters: Benign (1); Likely benign (1). Last evaluated 2025-01-10.

Conditions:
Hereditary cancer-predisposing syndrome. Also called: Neoplastic Syndromes, Hereditary; Tumor predisposition; Hereditary neoplastic syndrome; Hereditary Cancer Syndrome. Identifiers: Orphanet 140162, MedGen C0027672, MeSH D009386, MONDO:0015356.
Familial cancer of breast. Also called: BREAST CANCER, FAMILIAL; Hereditary breast cancer; hereditary breast carcinoma. Identifiers: Orphanet 227535, MedGen C0346153, MONDO:0016419, OMIM 114480. Disease mechanism: loss of function.

Submissions (2):

Myriad Genetics, Inc.
Classification: Benign for Familial cancer of breast. Last evaluated: 2025-01-10. Review status: criteria provided, single submitter. Criteria: Myriad Autosomal Dominant, Autosomal Recessive and X-Linked Classification Criteria (2023). Collection method: clinical testing. Allele origin: unknown.
Comment: This variant is considered benign. This variant is a silent/synonymous amino acid change and it is not expected to impact splicing.

Ambry Genetics
Classification: Likely benign for Hereditary cancer-predisposing syndrome. Last evaluated: 2018-09-27. Review status: criteria provided, single submitter. Criteria: Ambry Variant Classification Scheme 2023. Collection method: clinical testing. Allele origin: germline.